The following is an entry in ClinVar:

NM_022124.6(CDH23):c.1986T>G (p.Phe662Leu)

Gene: CDH23 (cadherin related 23; plus strand). Cytogenetic location: 10q22.1.
Variant type: single nucleotide variant.
Coding change: c.1986T>G on transcript NM_022124.6 (MANE Select); coding-DNA position 1986, T replaced by G.
Protein change: p.Phe662Leu; replaces phenylalanine 662 with leucine.
Molecular consequence: missense variant.
Genome position (GRCh38, 1-based): chr10:71,682,572, T>G. VCF-style: chr10-71682572-T-G. GRCh37 (hg19) VCF-style: chr10-73442329-T-G.
Other names: c.1986T>G, p.Phe662Leu (NM_001171930.2, NM_001171931.2); short protein forms F662L.
Identifiers: ClinVar variation 2009879 (VCV002009879.4), dbSNP rs1207867919, ClinGen allele CA377132884.

ClinVar aggregate classification (germline): Uncertain significance (1 of 4 stars; one submission).

Submission:

Labcorp Genetics (formerly Invitae), Labcorp
Classification: Uncertain significance. Last evaluated: 2022-07-07. Review status: criteria provided, single submitter. Criteria: Invitae Variant Classification Sherloc (09022015). Collection method: clinical testing. Allele origin: germline.
Comment: This variant has not been reported in the literature in individuals affected with CDH23-related conditions. In summary, the available evidence is currently insufficient to determine the role of this variant in disease. Therefore, it has been classified as a Variant of Uncertain Significance. Algorithms developed to predict the effect of missense changes on protein structure and function are either unavailable or do not agree on the potential impact of this missense change (SIFT: "Deleterious"; PolyPhen-2: "Not Available"; Align-GVGD: "Class C15"). This variant is not present in population databases (gnomAD no frequency). This sequence change replaces phenylalanine, which is neutral and non-polar, with leucine, which is neutral and non-polar, at codon 662 of the CDH23 protein (p.Phe662Leu).